The following is an entry in ClinVar:

ClinVar aggregate classification (germline): Benign. Review status: criteria provided, multiple submitters, no conflicts (2 of 4 stars). 4 submissions from 4 submitters: Benign (3). 1 of the submissions does not count toward it. Last evaluated 2021-06-09.

Allele frequency attached by ClinVar (database versions not stated): gnomAD exomes 0.04864 and 0.05249; 1000 Genomes Project 0.04932; ExAC 0.05003; 1000 Genomes Project 30x 0.05200; gnomAD 0.05978 and 0.06102; TOPMed 0.06175; ESP Exome Variant Server 0.06251.
gnomAD v4.1: 86,122 of 1,611,912 alleles (5.3%); highest among the groups gnomAD compares: African/African-American, 8.1%; 2,625 homozygotes.

Submissions (4):

GeneDx
Classification: Benign. Last evaluated: 2021-06-09. Review status: criteria provided, single submitter. Criteria: GeneDx Variant Classification Process June 2021. Collection method: clinical testing. Allele origin: germline. Affected: yes.
Comment: This variant is associated with the following publications: (PMID: 26599207)

Laboratory for Molecular Medicine, Mass General Brigham Personalized Medicine
Classification: Benign. Last evaluated: 2016-03-29. Review status: criteria provided, single submitter. Criteria: LMM Criteria. Collection method: clinical testing. Allele origin: germline.
Comment: Variant identified in a genome or exome case(s) and assessed due to predicted null impact of the variant or pathogenic assertions in the literature or databases. Disclaimer: This variant has not undergone full assessment. The following are preliminary notes: Frequency

Breakthrough Genomics
Classification: Benign. Review status: criteria provided, single submitter. Criteria: ACMG Guidelines, 2015. Collection method: not provided. Allele origin: germline. Inheritance: Autosomal dominant inheritance. Affected: yes.

ITMI
No classification provided. Condition: AllHighlyPenetrant. Last evaluated: 2013-09-19. Review status: no classification provided. Collection method: reference population. Allele origin: germline. Not counted in ClinVar's aggregate classification.
Comment: Please see associated publication for description of ethnicities

Literature cited by the submitters: PubMed 24728327 (cited by ITMI).

NM_005896.4(IDH1):c.532G>A (p.Val178Ile)

Gene: IDH1 (isocitrate dehydrogenase (NADP(+)) 1; minus strand). Cytogenetic location: 2q34.
Variant type: single nucleotide variant.
Coding change: c.532G>A on transcript NM_005896.4 (MANE Select); coding-DNA position 532, G replaced by A.
Protein change: p.Val178Ile; replaces valine 178 with isoleucine.
Molecular consequence: missense variant.
Genome position (GRCh38, 1-based): chr2:208,243,593, C>T on the plus strand (G>A on the coding strand, the complement: IDH1 is on the minus strand). VCF-style: chr2-208243593-C-T. GRCh37 (hg19) VCF-style: chr2-209108317-C-T.
Other names: c.532G>A, p.Val178Ile (NM_001282386.1, NM_001282387.1); short protein forms V178I.
Identifiers: ClinVar variation 134520 (VCV000134520.7), dbSNP rs34218846, ClinGen allele CA160063.